The following is an entry in ClinVar:

ClinVar aggregate classification (germline): Likely pathogenic (1 of 4 stars; one submission).

Conditions:
Peroxisome biogenesis disorder 2B (PBD2B). Identifiers: Orphanet 44, MedGen C3550234, MONDO:0008736, OMIM 202370.

Submission:

Labcorp Genetics (formerly Invitae), Labcorp
Classification: Likely pathogenic for Peroxisome biogenesis disorder 2B. Last evaluated: 2024-03-28. Review status: criteria provided, single submitter. Criteria: Invitae Variant Classification Sherloc (09022015). Collection method: clinical testing. Allele origin: germline.
Comment: This sequence change affects an acceptor splice site in intron 2 of the PEX5 gene. It is expected to disrupt RNA splicing. Variants that disrupt the donor or acceptor splice site typically lead to a loss of protein function (PMID: 16199547), and loss-of-function variants in PEX5 are known to be pathogenic (PMID: 18712838, 21031596). This variant is not present in population databases (gnomAD no frequency). This variant has not been reported in the literature in individuals affected with PEX5-related conditions. Algorithms developed to predict the effect of sequence changes on RNA splicing suggest that this variant may disrupt the consensus splice site. In summary, the currently available evidence indicates that the variant is pathogenic, but additional data are needed to prove that conclusively. Therefore, this variant has been classified as Likely Pathogenic.

Literature cited by the submitters: PubMed 16199547; PubMed 18712838; PubMed 21031596.

NM_001351132.2(PEX5):c.148-2A>T

Gene: PEX5 (peroxisomal biogenesis factor 5; plus strand). Cytogenetic location: 12p13.31.
Variant type: single nucleotide variant.
Coding change: c.148-2A>T on transcript NM_001351132.2 (MANE Select); the canonical splice acceptor site of the intron before coding-DNA position 148, A replaced by T.
Molecular consequence: splice acceptor variant.
Genome position (GRCh38, 1-based): chr12:7,190,886, A>T. VCF-style: chr12-7190886-A-T. GRCh37 (hg19) VCF-style: chr12-7343482-A-T.
Other names: c.193-2A>T (NM_001131023.2, NM_001351138.2, NM_001351135.3); c.148-2A>T (NM_001351136.2, NM_000319.5, NM_001131024.2 and 19 more transcripts).
Identifiers: ClinVar variation 3688984 (VCV003688984.2).